The following is an entry in ClinVar:

ClinVar aggregate classification (germline): Pathogenic. Review status: criteria provided, multiple submitters, no conflicts (2 of 4 stars). 6 submissions from 6 submitters: Pathogenic (6). Last evaluated 2025-04-21.

Conditions:
Nemaline myopathy 2 (NEM2). Also called: Nemaline myopathy 2, autosomal recessive. Identifiers: MedGen C1850569, MONDO:0009725, OMIM 256030.
Arthrogryposis multiplex congenita 6. Identifiers: MedGen C5543431, MONDO:0030281, OMIM 619334.
Nemaline myopathy. Also called: Myopathies, Nemaline. Identifiers: Orphanet 607, MedGen C0206157, MONDO:0018958.

Allele frequency attached by ClinVar (database versions not stated): ExAC 0.00002.
gnomAD v4.1: 3 of 1,596,106 alleles (0.00019%); highest among the groups gnomAD compares: South Asian, 0.0011%; no homozygotes.

Submissions (6):

Natera, Inc.
Classification: Pathogenic for Nemaline myopathy type 2. Last evaluated: 2025-04-21. Review status: criteria provided, single submitter. Criteria: Natera Variant Classification Schema (03/2026). Collection method: clinical testing. Allele origin: germline.
Comment: The c.25234C>T variant in NEB is a nonsense variant predicted to introduce a stop codon at amino acid 8412. This variant is expected to result in nonsense mediated decay, truncation, or a dysfunctional protein product. This variant is rare in the general population with a frequency below the threshold expected for the associated phenotype(s). This variant has been observed in one or more individuals affected with the associated recessive disease, as either homozygous or compound heterozygous with a second variant (PMID: 35586607). Given the available evidence, this variant is classified as Pathogenic.

Broad Center for Mendelian Genomics, Broad Institute of MIT and Harvard
Classification: Pathogenic for Nemaline myopathy. Last evaluated: 2025-02-24. Review status: criteria provided, single submitter. Criteria: ACMG Guidelines, 2015. Collection method: curation. Allele origin: germline. Inheritance: Autosomal recessive inheritance.
Comment: The p.Arg8377Ter variant in NEB has been reported, in the compound heterozygous state, in one individual with nemaline myopathy (PMID: 35586607), and has been identified in 0.001% (1/87682) of South Asian chromosomes by the Genome Aggregation Database (gnomAD; dbSNP ID: rs777232352). Although this variant has been seen in the general population in a heterozygous state, its frequency is low enough to be consistent with a recessive carrier frequency. This variant has also been reported in ClinVar (Variation ID: 1356561) and has been interpreted as pathogenic by Invitae, Baylor Genetics, and CeGaT Center for Human Genetics Tuebingen. This nonsense variant leads to a premature termination codon at position 8377, which is predicted to lead to a truncated or absent protein. Loss of function of the NEB gene is an established disease mechanism in autosomal recessive nemaline myopathy. In summary, this variant meets criteria to be classified as pathogenic for autosomal recessive nemaline myopathy. ACMG/AMP Criteria applied: PVS1, PM2_supporting, PM3 (Richards 2015).

Labcorp Genetics (formerly Invitae), Labcorp
Classification: Pathogenic for Nemaline myopathy 2. Last evaluated: 2024-01-16. Review status: criteria provided, single submitter. Criteria: Invitae Variant Classification Sherloc (09022015). Collection method: clinical testing. Allele origin: germline.
Comment: This sequence change creates a premature translational stop signal (p.Arg8412*) in the NEB gene. It is expected to result in an absent or disrupted protein product. Loss-of-function variants in NEB are known to be pathogenic (PMID: 25205138). The frequency data for this variant in the population databases is considered unreliable, as metrics indicate poor data quality at this position in the gnomAD database. This premature translational stop signal has been observed in individual(s) with clinical feautures of NEB-related conditions (PMID: 35586607). ClinVar contains an entry for this variant (Variation ID: 1356561). For these reasons, this variant has been classified as Pathogenic.

Baylor Genetics
Classification: Pathogenic for Arthrogryposis multiplex congenita 6. Last evaluated: 2023-08-07. Review status: criteria provided, single submitter. Criteria: ACMG Guidelines, 2015. Collection method: clinical testing. Allele origin: unknown.

CeGaT Center for Human Genetics Tuebingen
Classification: Pathogenic. Last evaluated: 2023-02-01. Review status: criteria provided, single submitter. Criteria: CeGaT Center For Human Genetics Tuebingen Variant Classification Criteria Version 2. Collection method: clinical testing. Allele origin: germline. Affected: yes. Observed: 2 variant alleles.

Juno Genomics, Hangzhou Juno Genomics, Inc
Classification: Pathogenic for Nemaline myopathy 2; Arthrogryposis multiplex congenita 6. Review status: criteria provided, single submitter. Criteria: ACMG Guidelines, 2015. Collection method: clinical testing. Allele origin: germline. Affected: yes.
Comment: Absent from controls (or at extremely low frequency if recessive) in Genome Aggregation Database, Exome Sequencing Project, 1000 Genomes Project, or Exome Aggregation Consortium.;Null variant in a gene where loss of function (LOF) is a known mechanism of disease.;For recessive disorders, detected in trans with a pathogenic variant.

Literature cited by the submitters: PubMed 35586607 (cited by Natera, Inc. and Labcorp Genetics (formerly Invitae), Labcorp); PubMed 25205138 (cited by Labcorp Genetics (formerly Invitae), Labcorp).

NM_001164508.2(NEB):c.25129C>T (p.Arg8377Ter)

Genes: NEB (nebulin; minus strand), RIF1 (replication timing regulatory factor 1; plus strand). Cytogenetic location: 2q23.3.
Variant type: single nucleotide variant.
Coding change: c.25129C>T on transcript NM_001164508.2 (MANE Select); coding-DNA position 25129, C replaced by T.
Protein change: p.Arg8377Ter; replaces arginine 8377 with a stop codon.
Molecular consequence: nonsense.
Genome position (GRCh38, 1-based): chr2:151,491,704, G>A on the plus strand (C>T on the coding strand, the complement: NEB is on the minus strand). VCF-style: chr2-151491704-G-A. GRCh37 (hg19) VCF-style: chr2-152348218-G-A.
Other names: NM_001164508.2(NEB):c.25129C>T; p.Arg8377Ter; c.25234C>T (NM_001271208.1); c.25129C>T, p.Arg8377Ter (NM_001164507.2); c.25234C>T, p.Arg8412Ter (NM_001271208.2); c.19561C>T, p.Arg6521Ter (NM_004543.5); short protein forms R8412*, R6521*, R8377*.
Identifiers: ClinVar variation 1356561 (VCV001356561.39), dbSNP rs777232352, ClinGen allele CA1905813.
Genomic context (GRCh38, chr2:151,491,704, plus strand): 5'-GGTGATGTTTATGTTGTAAGCCTTTTTCAGCTAACACACCATTAATCATGTGTAAGCTTC[G>A]GGACTGGATGTTGTCTTCTGCTGGATCATAGTCAAAAACCGAACCAGGATTAGTACGCCA-3'